The following is an entry in ClinVar:

ClinVar aggregate classification (germline): Pathogenic/Likely pathogenic. Review status: criteria provided, multiple submitters, no conflicts (2 of 4 stars). 7 submissions from 6 submitters: Pathogenic (3); Likely pathogenic (1). 3 of the submissions do not count toward it. Last evaluated 2026-02-03.

Conditions:
Hereditary cancer-predisposing syndrome. Also called: Neoplastic Syndromes, Hereditary; Hereditary Cancer Syndrome; Tumor predisposition; Hereditary neoplastic syndrome. Identifiers: Orphanet 140162, MedGen C0027672, MeSH D009386, MONDO:0015356.
Hyperparathyroidism 1 (HRPT1). Also called: HYPERPARATHYROIDISM, FAMILIAL ISOLATED PRIMARY. Identifiers: Orphanet 99879, MedGen C1840402, MONDO:0007767, OMIM 145000.
Parathyroid carcinoma (PRTC). Also called: CDC73-Related Parathyroid Carcinoma; Parathyroid gland carcinoma. Identifiers: Orphanet 143, MedGen C0687150, MONDO:0012004, OMIM 608266, HP:0006780.
Hyperparathyroidism 2 with jaw tumors. Also called: Hyperparathyroidism 2; Hyperparathyroidism-Jaw Tumor Syndrome; HYPERPARATHYROIDISM, FAMILIAL PRIMARY, WITH MULTIPLE OSSIFYING JAW FIBROMAS; HYPERPARATHYROIDISM-JAW TUMOR SYNDROME, HEREDITARY. Identifiers: Orphanet 99880, MedGen C1704981, MONDO:0007768, OMIM 145001.
Parathyroid adenoma, somatic. Identifiers: MedGen C2675664.

Allele frequency attached by ClinVar (database versions not stated): gnomAD exomes below 0.00001.
gnomAD v4.1: 1 of 1,614,126 alleles (0.000062%); highest among the groups gnomAD compares: African/African-American, 0.0013%; no homozygotes.

Submissions (7):

Labcorp Genetics (formerly Invitae), Labcorp
Classification: Pathogenic for Parathyroid carcinoma. Last evaluated: 2026-02-03. Review status: criteria provided, single submitter. Criteria: Invitae Variant Classification Sherloc (09022015). Collection method: clinical testing. Allele origin: germline.
Comment: This sequence change affects a donor splice site in intron 1 of the CDC73 gene. It is expected to disrupt RNA splicing. Variants that disrupt the donor or acceptor splice site typically lead to a loss of protein function (PMID: 16199547), and loss-of-function variants in CDC73 are known to be pathogenic (PMID: 12434154). This variant is not present in population databases (gnomAD no frequency). Disruption of this splice site has been observed in individual(s) with familial isolated primary hyperparathyroidism (PMID: 15531515, 16061557). It has also been observed to segregate with disease in related individuals. This variant is also known as IVS1+1G>A. ClinVar contains an entry for this variant (Variation ID: 3276). Algorithms developed to predict the effect of sequence changes on RNA splicing suggest that this variant may disrupt the consensus splice site. For these reasons, this variant has been classified as Pathogenic.

Fulgent Genetics
Classification: Pathogenic for Hyperparathyroidism 1; Hyperparathyroidism 2 with jaw tumors; Parathyroid carcinoma. Last evaluated: 2021-07-06. Review status: criteria provided, single submitter. Criteria: ACMG Guidelines, 2015. Collection method: clinical testing. Allele origin: unknown.

Ambry Genetics
Classification: Likely pathogenic for Hereditary cancer-predisposing syndrome. Last evaluated: 2021-04-16. Review status: criteria provided, single submitter. Criteria: Ambry Variant Classification Scheme 2023. Collection method: clinical testing. Allele origin: germline.
Comment: The c.131+1G>A intronic variant results from a G to A substitution one nucleotide after coding exon 1 of the CDC73 gene. This variant has been detected in multiple individuals with primary hyperparathyroidism and reported to result in partial skipping of exon 1 (Cetani F et al. J Clin Endocrinol Metab, 2004 Nov;89:5583-91; Bradley KJ et al. J Med Genet, 2005 Aug;42:e51; Ambry internal data). This variant was not reported in population-based cohorts in the Genome Aggregation Database (gnomAD). This nucleotide position is highly conserved in available vertebrate species. In silico splice site analysis predicts that this alteration will weaken the native splice donor site and will result in the creation or strengthening of a novel splice donor site. Alterations that disrupt the canonical splice site are expected to cause aberrant splicing, resulting in an abnormal protein or a transcript that is subject to nonsense-mediated mRNA decay. As such, this alteration is classified as likely pathogenic.

GeneDx
Classification: Pathogenic. Last evaluated: 2018-04-12. Review status: criteria provided, single submitter. Criteria: GeneDx Variant Classification (06012015). Collection method: clinical testing. Allele origin: germline. Affected: yes.
Comment: The c.131+1G>A splice site variant in the CDC73 gene has been previously reported in association with multiple families with hyperparathyroidism and parathyroid tumors (Cetani et al., 2004; Bradley et al., 2005). Functional studies show c.131+1G>A results in loss of 30 nucleotides from exon 1 of the CDC73 gene (Bradley et al., 2005). Based on currently available evidence, we consider c.131+1G>A to be pathogenic, and its presence consistent with a diagnosis of a CDC73-related disorder

OMIM
Classification: Pathogenic for HYPERPARATHYROIDISM 1. Last evaluated: 2004-11-01. Review status: no assertion criteria provided. Collection method: literature only. Allele origin: unknown. Not counted in ClinVar's aggregate classification.

OMIM
Classification: Pathogenic for PARATHYROID ADENOMA, SOMATIC. Last evaluated: 2004-11-01. Review status: no assertion criteria provided. Collection method: literature only. Allele origin: somatic. Not counted in ClinVar's aggregate classification.

GeneReviews
No classification provided. Condition: Parathyroid carcinoma. Review status: no classification provided. Collection method: literature only. Allele origin: germline. Not counted in ClinVar's aggregate classification.

Literature cited by the submitters: PubMed 16199547 (cited by Labcorp Genetics (formerly Invitae), Labcorp); PubMed 12434154 (cited by Labcorp Genetics (formerly Invitae), Labcorp); PubMed 15531515 (cited by 3 submitters); PubMed 16061557 (cited by Labcorp Genetics (formerly Invitae), Labcorp and Ambry Genetics).

NM_024529.5(CDC73):c.131+1G>A

Gene: CDC73 (cell division cycle 73; plus strand). Cytogenetic location: 1q31.2.
Variant type: single nucleotide variant.
Coding change: c.131+1G>A on transcript NM_024529.5 (MANE Select); the canonical splice donor site of the intron after coding-DNA position 131, G replaced by A.
Molecular consequence: splice donor variant.
Genome position (GRCh38, 1-based): chr1:193,122,332, G>A. VCF-style: chr1-193122332-G-A. GRCh37 (hg19) VCF-style: chr1-193091462-G-A.
Other names: IVS1DS, G-A, +1.
Identifiers: ClinVar variation 3276 (VCV000003276.14), dbSNP rs587776558, ClinGen allele CA116128.